The following is an entry in ClinVar:

NM_006063.3(KLHL41):c.193G>A (p.Glu65Lys)

Gene: KLHL41 (kelch like family member 41; plus strand). Cytogenetic location: 2q31.1.
Variant type: single nucleotide variant.
Coding change: c.193G>A on transcript NM_006063.3 (MANE Select); coding-DNA position 193, G replaced by A.
Protein change: p.Glu65Lys; replaces glutamic acid 65 with lysine.
Molecular consequence: missense variant.
Genome position (GRCh38, 1-based): chr2:169,509,971, G>A. VCF-style: chr2-169509971-G-A. GRCh37 (hg19) VCF-style: chr2-170366481-G-A.
Other names: c.193G>A (NM_006063.2); short protein forms E65K.
Identifiers: ClinVar variation 1034834 (VCV001034834.4), dbSNP rs772174002, ClinGen allele CA1956459.

ClinVar aggregate classification (germline): Uncertain significance. Review status: criteria provided, multiple submitters, no conflicts (2 of 4 stars). 2 submissions from 2 submitters: Uncertain significance (2). Last evaluated 2022-11-10.

Conditions:
Inborn genetic diseases. Identifiers: MedGen C0950123, MeSH D030342.
Nemaline myopathy 9 (NEM9). Identifiers: MedGen C3810384, MONDO:0014326, OMIM 615731.

Allele frequency attached by ClinVar (database versions not stated): gnomAD exomes below 0.00001 and 0.00001; ExAC 0.00001.
gnomAD v4.1: 8 of 1,614,100 alleles (0.0005%); highest among the groups gnomAD compares: Admixed American, 0.0033%; no homozygotes.

Submissions (2):

Ambry Genetics
Classification: Uncertain significance for Inborn genetic diseases. Last evaluated: 2022-11-10. Review status: criteria provided, single submitter. Criteria: Ambry Variant Classification Scheme 2023. Collection method: clinical testing. Allele origin: germline.

Labcorp Genetics (formerly Invitae), Labcorp
Classification: Uncertain significance for Nemaline myopathy 9. Last evaluated: 2022-07-26. Review status: criteria provided, single submitter. Criteria: Invitae Variant Classification Sherloc (09022015). Collection method: clinical testing. Allele origin: germline.
Comment: This sequence change replaces glutamic acid, which is acidic and polar, with lysine, which is basic and polar, at codon 65 of the KLHL41 protein (p.Glu65Lys). This variant is present in population databases (rs772174002, gnomAD 0.003%). This variant has not been reported in the literature in individuals affected with KLHL41-related conditions. ClinVar contains an entry for this variant (Variation ID: 1034834). Algorithms developed to predict the effect of missense changes on protein structure and function (SIFT, PolyPhen-2, Align-GVGD) all suggest that this variant is likely to be tolerated. In summary, the available evidence is currently insufficient to determine the role of this variant in disease. Therefore, it has been classified as a Variant of Uncertain Significance.